The following is an entry in ClinVar:

NM_016203.4(PRKAG2):c.1679-246dup

Gene: PRKAG2 (protein kinase AMP-activated non-catalytic subunit gamma 2; minus strand). Cytogenetic location: 7q36.1.
Variant type: Duplication.
Coding change: c.1679-246dup on transcript NM_016203.4 (MANE Select); 246 bases into the intron before coding-DNA position 1679, one base duplicated (T; older notation c.1679-246dupT).
Molecular consequence: intron variant.
Genome position (GRCh38, 1-based): chr7:151,557,470, A duplicated on the plus strand (T on the coding strand, the reverse complement: PRKAG2 is on the minus strand); the first of 9 consecutive A bases (chr7:151,557,470-151,557,478); duplicating any one gives the same sequence. VCF-style (leftmost placement, unchanged base first): chr7-151557469-C-CA. GRCh37 (hg19) VCF-style: chr7-151254555-C-CA.
Other names: c.1547-246dup (NM_001040633.2); c.1304-246dup (NM_001304527.2); c.1307-246dup (NM_001363698.2); c.956-246dup (NM_001304531.2, NM_024429.2).
Identifiers: ClinVar variation 674415 (VCV000674415.1), dbSNP rs199780905, ClinGen allele CA169162620.
Genomic context (GRCh38, chr7:151,557,469, plus strand): 5'-GGCAGCTTGGATCCACGTAACATCTTGTCATTCTAAATATGTCAGATTTAACTTGGAAAA[C>CA]AAAAAAAAAGAATTCCACTCTTAAAAAATTTTACTAAGAAATATGTAGGTATGTTTTAGT-3'

ClinVar aggregate classification (germline): Likely benign (1 of 4 stars; one submission).

Submission:

GeneDx
Classification: Likely benign. Last evaluated: 2018-06-16. Review status: criteria provided, single submitter. Criteria: GeneDx Variant Classification (06012015). Collection method: clinical testing. Allele origin: germline. Affected: yes.
Comment: This variant is considered likely benign or benign based on one or more of the following criteria: it is a conservative change, it occurs at a poorly conserved position in the protein, it is predicted to be benign by multiple in silico algorithms, and/or has population frequency not consistent with disease.